The following is an entry in ClinVar:

ClinVar aggregate classification (germline): Likely pathogenic (1 of 4 stars; one submission).

Conditions:
Early-infantile DEE. Also called: Ohtahara syndrome; Early infantile epileptic encephalopathy with suppression bursts; Early infantile epileptic encephalopathy. Identifiers: Orphanet 1934, MedGen C0393706, MONDO:0800491.

Submission:

Labcorp Genetics (formerly Invitae), Labcorp
Classification: Likely pathogenic for Early-infantile DEE. Last evaluated: 2024-03-21. Review status: criteria provided, single submitter. Criteria: Invitae Variant Classification Sherloc (09022015). Collection method: clinical testing. Allele origin: germline.
Comment: This sequence change replaces asparagine, which is neutral and polar, with aspartic acid, which is acidic and polar, at codon 1712 of the SCN1A protein (p.Asn1712Asp). This variant is not present in population databases (gnomAD no frequency). This variant has not been reported in the literature in individuals affected with SCN1A-related conditions. Advanced modeling of protein sequence and biophysical properties (such as structural, functional, and spatial information, amino acid conservation, physicochemical variation, residue mobility, and thermodynamic stability) performed at Invitae indicates that this missense variant is expected to disrupt SCN1A protein function with a positive predictive value of 95%. This variant disrupts the p.Asn1712 amino acid residue in SCN1A. Other variant(s) that disrupt this residue have been determined to be pathogenic (PMID: 28012175). This suggests that this residue is clinically significant, and that variants that disrupt this residue are likely to be disease-causing. In summary, the currently available evidence indicates that the variant is pathogenic, but additional data are needed to prove that conclusively. Therefore, this variant has been classified as Likely Pathogenic.

Literature cited by the submitters: PubMed 28012175.

NM_001165963.4(SCN1A):c.5134A>G (p.Asn1712Asp)

Genes: SCN1A (sodium voltage-gated channel alpha subunit 1; minus strand), LOC102724058 (uncharacterized LOC102724058; plus strand). Cytogenetic location: 2q24.3.
Variant type: single nucleotide variant.
Coding change: c.5134A>G on transcript NM_001165963.4 (MANE Select); coding-DNA position 5134, A replaced by G.
Protein change: p.Asn1712Asp; replaces asparagine 1712 with aspartic acid.
Molecular consequence: missense variant. On other transcripts: non-coding transcript variant (1).
Genome position (GRCh38, 1-based): chr2:165,992,141, T>C on the plus strand (A>G on the coding strand, the complement: SCN1A is on the minus strand). VCF-style: chr2-165992141-T-C. GRCh37 (hg19) VCF-style: chr2-166848651-T-C.
Other names: c.5050A>G, p.Asn1684Asp (NM_001165964.3, NM_001353957.2, NM_001353958.2); c.5134A>G, p.Asn1712Asp (NM_001202435.3, NM_001353948.2); c.5101A>G, p.Asn1701Asp (NM_001353949.2, NM_001353950.2, NM_001353951.2 and 2 more transcripts); c.5098A>G, p.Asn1700Asp (NM_001353954.2, NM_001353955.2); c.5047A>G, p.Asn1683Asp (NM_001353960.2); c.2692A>G, p.Asn898Asp (NM_001353961.2); short protein forms N1684D, N1701D, N1700D, N1712D, N898D, N1683D.
Identifiers: ClinVar variation 2705925 (VCV002705925.3), dbSNP rs2468336985, ClinGen allele CA349069006.
Genomic context (GRCh38, chr2:165,992,141, plus strand): 5'-GTGCTAGCAATCCATCCCAGCCAGCAGAGGTTGTAATTTGGAATAGGCAGATCATGCTGT[T>C]GCCAAAGGTCTCAAAGTTGAACATGTCATCGATCCCAACTTCCCTCTTAACATAGGCAAA-3'
Protein context (NP_001159435.1, residues 1702-1722): DDMFNFETFG[Asn1712Asp]SMICLFQITT